The following is an entry in ClinVar:

ClinVar aggregate classification (germline): Likely benign. Review status: criteria provided, single submitter (1 of 4 stars). 2 submissions from 2 submitters: Likely benign (1). 1 of the submissions does not count toward it. Last evaluated 2019-12-31.

Conditions:
ATP10A-related disorder. Also called: ATP10A-related condition.

Allele frequency attached by ClinVar (database versions not stated): 1000 Genomes Project 0.00120; 1000 Genomes Project 30x 0.00141; TOPMed 0.00193; gnomAD 0.00201 and 0.00206; gnomAD exomes 0.00271; ESP Exome Variant Server 0.00300.
gnomAD v4.1: 4,222 of 1,610,470 alleles (0.26%); highest among the groups gnomAD compares: South Asian, 0.34%; 13 homozygotes.

Submissions (2):

Labcorp Genetics (formerly Invitae), Labcorp
Classification: Likely benign. Last evaluated: 2019-12-31. Review status: criteria provided, single submitter. Criteria: Invitae Variant Classification Sherloc (09022015). Collection method: clinical testing. Allele origin: germline.

PreventionGenetics, part of Exact Sciences
Classification: Benign for ATP10A-related condition. Last evaluated: 2019-06-10. Review status: no assertion criteria provided. Collection method: clinical testing. Allele origin: germline. Not counted in ClinVar's aggregate classification.
Comment: This variant is classified as benign based on ACMG/AMP sequence variant interpretation guidelines (Richards et al. 2015 PMID: 25741868, with internal and published modifications).

NM_024490.4(ATP10A):c.298G>C (p.Val100Leu)

Gene: ATP10A (ATPase phospholipid transporting 10A (putative); minus strand). Cytogenetic location: 15q12.
Variant type: single nucleotide variant.
Coding change: c.298G>C on transcript NM_024490.4 (MANE Select); coding-DNA position 298, G replaced by C.
Protein change: p.Val100Leu; replaces valine 100 with leucine.
Molecular consequence: missense variant.
Genome position (GRCh38, 1-based): chr15:25,862,799, C>G on the plus strand (G>C on the coding strand, the complement: ATP10A is on the minus strand). VCF-style: chr15-25862799-C-G. GRCh37 (hg19) VCF-style: chr15-26107946-C-G.
Other names: short protein forms V100L.
Identifiers: ClinVar variation 787182 (VCV000787182.6), dbSNP rs140289242, ClinGen allele CA7437208.